The following is an entry in ClinVar:

ClinVar aggregate classification (germline): Conflicting classifications of pathogenicity. Review status: criteria provided, conflicting classifications (1 of 4 stars). 2 submissions from 2 submitters: Likely pathogenic (1); Uncertain significance (1). Last evaluated 2026-07-11.

Conditions:
Hereditary spastic paraplegia 2 (SPG2). Also called: SPASTIC PARAPLEGIA 2, X-LINKED; Spastic Paraplegia 2 (SPG2). Identifiers: Orphanet 99015, MedGen C0751604, MONDO:0010733, OMIM 312920.

Submissions (2):

GeneDx
Classification: Likely pathogenic. Last evaluated: 2026-07-11. Review status: criteria provided, single submitter. Criteria: GeneDx Variant Classification Process June 2021. Collection method: clinical testing. Allele origin: germline.
Comment: Has not been previously published as pathogenic or benign to our knowledge; Not observed at significant frequency in large population cohorts (gnomAD); In silico analysis supports that this missense variant has a deleterious effect on protein structure/function; Missense variants in this gene are a common cause of disease and they are underrepresented in the general population

Labcorp Genetics (formerly Invitae), Labcorp
Classification: Uncertain significance for Hereditary spastic paraplegia 2. Last evaluated: 2021-10-16. Review status: criteria provided, single submitter. Criteria: Invitae Variant Classification Sherloc (09022015). Collection method: clinical testing. Allele origin: germline.
Comment: In summary, the available evidence is currently insufficient to determine the role of this variant in disease. Therefore, it has been classified as a Variant of Uncertain Significance. Algorithms developed to predict the effect of missense changes on protein structure and function are either unavailable or do not agree on the potential impact of this missense change (SIFT: "Not Available"; PolyPhen-2: "Possibly Damaging"; Align-GVGD: "Not Available"). This variant has not been reported in the literature in individuals affected with PLP1-related conditions. This variant is not present in population databases (ExAC no frequency). This sequence change replaces isoleucine with asparagine at codon 155 of the PLP1 protein (p.Ile155Asn). The isoleucine residue is moderately conserved and there is a large physicochemical difference between isoleucine and asparagine.

NM_000533.5(PLP1):c.464T>A (p.Ile155Asn)

Genes: PLP1 (proteolipid protein 1; plus strand), RAB9B (RAB9B, member RAS oncogene family; minus strand). Cytogenetic location: Xq22.2.
Variant type: single nucleotide variant.
Coding change: c.464T>A on transcript NM_000533.5 (MANE Select); coding-DNA position 464, T replaced by A.
Protein change: p.Ile155Asn; replaces isoleucine 155 with asparagine.
Molecular consequence: missense variant.
Genome position (GRCh38, 1-based): chrX:103,787,808, T>A. VCF-style: chrX-103787808-T-A. GRCh37 (hg19) VCF-style: chrX-103042737-T-A.
Other names: c.464T>A (NM_000533.3); c.464T>A, p.Ile155Asn (NM_001128834.3); c.299T>A, p.Ile100Asn (NM_001305004.1); c.359T>A, p.Ile120Asn (NM_199478.3); short protein forms I100N, I155N, I120N.
Identifiers: ClinVar variation 1504712 (VCV001504712.8), dbSNP rs2147765890, ClinGen allele CA414103579.